The following is an entry in ClinVar:

ClinVar aggregate classification (germline): Uncertain significance (1 of 4 stars; one submission).

Conditions:
Early-infantile DEE. Also called: Early infantile epileptic encephalopathy; Ohtahara syndrome; Early infantile epileptic encephalopathy with suppression bursts. Identifiers: Orphanet 1934, MedGen C0393706, MONDO:0800491.

Submission:

Labcorp Genetics (formerly Invitae), Labcorp
Classification: Uncertain significance for Early-infantile DEE. Last evaluated: 2025-11-13. Review status: criteria provided, single submitter. Criteria: Invitae Variant Classification Sherloc (09022015). Collection method: clinical testing. Allele origin: germline.
Comment: This sequence change replaces histidine, which is basic and polar, with tyrosine, which is neutral and polar, at codon 1408 of the SPTAN1 protein (p.His1408Tyr). This variant is not present in population databases (gnomAD no frequency). This variant has not been reported in the literature in individuals affected with SPTAN1-related conditions. Invitae Evidence Modeling of protein sequence and biophysical properties (such as structural, functional, and spatial information, amino acid conservation, physicochemical variation, residue mobility, and thermodynamic stability) has been performed for this missense variant. However, the output from this modeling did not meet the statistical confidence thresholds required to predict the impact of this variant on SPTAN1 protein function. In summary, the available evidence is currently insufficient to determine the role of this variant in disease. Therefore, it has been classified as a Variant of Uncertain Significance.

NM_001130438.3(SPTAN1):c.4222C>T (p.His1408Tyr)

Gene: SPTAN1 (spectrin alpha, non-erythrocytic 1; plus strand). Cytogenetic location: 9q34.11.
Variant type: single nucleotide variant.
Coding change: c.4222C>T on transcript NM_001130438.3 (MANE Select); coding-DNA position 4222, C replaced by T.
Protein change: p.His1408Tyr; replaces histidine 1408 with tyrosine.
Molecular consequence: missense variant.
Genome position (GRCh38, 1-based): chr9:128,607,927, C>T. VCF-style: chr9-128607927-C-T. GRCh37 (hg19) VCF-style: chr9-131370206-C-T.
Other names: c.4258C>T, p.His1420Tyr (NM_001438440.1, NM_001375312.2, NM_001375318.1); c.4162C>T, p.His1388Tyr (NM_001438441.1, NM_001438442.1, NM_001438444.1 and 3 more transcripts); c.4222C>T, p.His1408Tyr (NM_001438443.1, NM_001438445.1, NM_003127.4 and 4 more transcripts); short protein forms H1388Y, H1408Y, H1420Y.
Identifiers: ClinVar variation 4763218 (VCV004763218.1).